The following is an entry in ClinVar:

ClinVar aggregate classification (germline): Uncertain significance. Review status: criteria provided, multiple submitters, no conflicts (2 of 4 stars). 3 submissions from 3 submitters: Uncertain significance (2). 1 of the submissions does not count toward it. Last evaluated 2024-10-08.

Conditions:
Inborn genetic diseases. Identifiers: MedGen C0950123, MeSH D030342.
FOCAD-related disorder. Also called: FOCAD-related condition.

gnomAD v4.1: 53 of 1,613,586 alleles (0.0033%); highest among the groups gnomAD compares: African/African-American, 0.055%; no homozygotes.

Submissions (3):

Ambry Genetics
Classification: Uncertain significance for Inborn genetic diseases. Last evaluated: 2024-10-08. Review status: criteria provided, single submitter. Criteria: Ambry Variant Classification Scheme 2023. Collection method: clinical testing. Allele origin: germline.

Labcorp Genetics (formerly Invitae), Labcorp
Classification: Uncertain significance. Last evaluated: 2024-06-25. Review status: criteria provided, single submitter. Criteria: Invitae Variant Classification Sherloc (09022015). Collection method: clinical testing. Allele origin: germline.
Comment: This sequence change replaces proline, which is neutral and non-polar, with arginine, which is basic and polar, at codon 790 of the FOCAD protein (p.Pro790Arg). This variant is present in population databases (rs148438998, gnomAD 0.05%). This variant has not been reported in the literature in individuals affected with FOCAD-related conditions. Experimental studies and prediction algorithms are not available or were not evaluated, and the functional significance of this variant is currently unknown. In summary, the available evidence is currently insufficient to determine the role of this variant in disease. Therefore, it has been classified as a Variant of Uncertain Significance.

PreventionGenetics, part of Exact Sciences
Classification: Uncertain significance for FOCAD-related condition. Last evaluated: 2024-04-03. Review status: no assertion criteria provided. Collection method: clinical testing. Allele origin: germline. Not counted in ClinVar's aggregate classification.
Comment: The FOCAD c.2369C>G variant is predicted to result in the amino acid substitution p.Pro790Arg. To our knowledge, this variant has not been reported in the literature and has not been classified in ClinVar. This variant is reported in 0.056% of alleles in individuals of African descent in gnomAD, which may be too frequent to be disease-causing. Although we suspect this variant may be benign, at this time the clinical significance of this variant is uncertain due to the absence of conclusive functional and genetic evidence.

NM_001375567.1(FOCAD):c.2369C>G (p.Pro790Arg)

Gene: FOCAD (focadhesin; plus strand). Cytogenetic location: 9p21.3.
Variant type: single nucleotide variant.
Coding change: c.2369C>G on transcript NM_001375567.1 (MANE Select); coding-DNA position 2369, C replaced by G.
Protein change: p.Pro790Arg; replaces proline 790 with arginine.
Molecular consequence: missense variant.
Genome position (GRCh38, 1-based): chr9:20,881,922, C>G. VCF-style: chr9-20881922-C-G. GRCh37 (hg19) VCF-style: chr9-20881921-C-G.
Other names: c.2264C>G, p.Pro755Arg (NM_001375568.1, NM_001375570.1); c.2369C>G, p.Pro790Arg (NM_017794.5); c.2369C>G (NM_017794.3); short protein forms P755R, P790R.
Identifiers: ClinVar variation 3352234 (VCV003352234.4).